The following is an entry in ClinVar:

ClinVar aggregate classification (germline): Likely benign. Review status: criteria provided, multiple submitters, no conflicts (2 of 4 stars). 7 submissions from 5 submitters: Likely benign (7). Last evaluated 2025-12-08.

Conditions:
Dilated cardiomyopathy 1D. Identifiers: Orphanet 154, Orphanet 54260, MedGen C1832243, MONDO:0011095, OMIM 601494.
Cardiomyopathy, familial restrictive, 3. Identifiers: Orphanet 75249, MedGen C2676271, MONDO:0012900, OMIM 612422.
Hypertrophic cardiomyopathy 2. Also called: TNNT2-Related Familial Hypertrophic Cardiomyopathy. Identifiers: MedGen C1861864, MONDO:0007266, OMIM 115195.
Cardiomyopathy (CMYO). Also called: Cardiomyopathies. Identifiers: Orphanet 167848, MedGen C0878544, MONDO:0004994, HP:0001638. Inheritance: Various modes of inheritance.

Allele frequency attached by ClinVar (database versions not stated): gnomAD exomes 0.00002; gnomAD 0.00003; TOPMed 0.00003; ExAC 0.00004.
gnomAD v4.1: 28 of 1,613,736 alleles (0.0017%); highest among the groups gnomAD compares: Middle Eastern, 0.016%; no homozygotes.

Submissions (7):

Labcorp Genetics (formerly Invitae), Labcorp
Classification: Likely benign for Cardiomyopathy, familial restrictive, 3; Hypertrophic cardiomyopathy 2; Dilated cardiomyopathy 1D. Last evaluated: 2025-12-08. Review status: criteria provided, single submitter. Criteria: Invitae Variant Classification Sherloc (09022015). Collection method: clinical testing. Allele origin: germline.

All of Us Research Program, National Institutes of Health
Classification: Likely benign for Cardiomyopathy. Last evaluated: 2024-02-05. Review status: criteria provided, single submitter. Criteria: ACMG Guidelines, 2015. Collection method: clinical testing. Allele origin: germline. Inheritance: Autosomal dominant inheritance. Observed: 7 variant alleles, 7 heterozygotes.
Comment: This study involves interpretation of variants in research participants for the purpose of population health screening. Participant phenotype was not available at the time of variant classification. Additional details can be found in publication PMID: 35346344, PMCID: PMC8962531

Genome-Nilou Lab
Classification: Likely benign for Dilated cardiomyopathy 1D. Last evaluated: 2023-04-11. Review status: criteria provided, single submitter. Criteria: ACMG Guidelines, 2015. Collection method: clinical testing. Allele origin: germline. Affected: no.

Genome-Nilou Lab
Classification: Likely benign for Cardiomyopathy, familial restrictive, 3. Last evaluated: 2023-04-11. Review status: criteria provided, single submitter. Criteria: ACMG Guidelines, 2015. Collection method: clinical testing. Allele origin: germline. Affected: no.

Genome-Nilou Lab
Classification: Likely benign for Hypertrophic cardiomyopathy 2. Last evaluated: 2023-04-11. Review status: criteria provided, single submitter. Criteria: ACMG Guidelines, 2015. Collection method: clinical testing. Allele origin: germline. Affected: no.

Color Diagnostics, LLC DBA Color Health
Classification: Likely benign for Cardiomyopathy. Last evaluated: 2019-11-21. Review status: criteria provided, single submitter. Criteria: ACMG Guidelines, 2015. Collection method: clinical testing. Allele origin: germline.

CeGaT Center for Human Genetics Tuebingen
Classification: Likely benign. Last evaluated: 2019-02-01. Review status: criteria provided, single submitter. Criteria: CeGaT Center For Human Genetics Tuebingen Variant Classification Criteria Version 2. Collection method: clinical testing. Allele origin: germline. Affected: yes. Observed: 1 variant allele.

NM_001276345.2(TNNT2):c.601-6G>A

Gene: TNNT2 (troponin T2, cardiac type; minus strand). Cytogenetic location: 1q32.1.
Variant type: single nucleotide variant.
Coding change: c.601-6G>A on transcript NM_001276345.2 (MANE Select); 6 bases into the intron before coding-DNA position 601, G replaced by A.
Molecular consequence: intron variant.
Genome position (GRCh38, 1-based): chr1:201,362,400, C>T on the plus strand (G>A on the coding strand, the complement: TNNT2 is on the minus strand). VCF-style: chr1-201362400-C-T. GRCh37 (hg19) VCF-style: chr1-201331528-C-T.
Other names: c.556-9G>A (NM_001001432.3); c.571-378G>A (NM_001001431.3); c.571-6G>A (NM_001001430.3, NM_001276347.2); c.481-378G>A (NM_001276346.2); c.601-378G>A (NM_000364.4).
Identifiers: ClinVar variation 412947 (VCV000412947.55), dbSNP rs760197357, ClinGen allele CA089053.